The following is an entry in ClinVar:

ClinVar aggregate classification (germline): Likely benign (1 of 4 stars; one submission).

Allele frequency attached by ClinVar (database versions not stated): TOPMed 0.00001; gnomAD exomes below 0.00001.
gnomAD v4.1: 5 of 1,613,316 alleles (0.00031%); highest among the groups gnomAD compares: Non-Finnish European, 0.00042%; no homozygotes.

Submission:

GeneDx
Classification: Likely benign. Last evaluated: 2018-02-26. Review status: criteria provided, single submitter. Criteria: GeneDx Variant Classification (06012015). Collection method: clinical testing. Allele origin: germline. Affected: yes.
Comment: This variant is considered likely benign or benign based on one or more of the following criteria: it is a conservative change, it occurs at a poorly conserved position in the protein, it is predicted to be benign by multiple in silico algorithms, and/or has population frequency not consistent with disease.

NM_001267550.2(TTN):c.71133T>G (p.Ile23711Met)

Genes: TTN (titin; minus strand), TTN-AS1 (TTN antisense RNA 1; plus strand). Cytogenetic location: 2q31.2.
Variant type: single nucleotide variant.
Coding change: c.71133T>G on transcript NM_001267550.2 (MANE Select); coding-DNA position 71133, T replaced by G.
Protein change: p.Ile23711Met; replaces isoleucine 23711 with methionine.
Molecular consequence: missense variant.
Genome position (GRCh38, 1-based): chr2:178,574,999, A>C on the plus strand (T>G on the coding strand, the complement: TTN is on the minus strand). VCF-style: chr2-178574999-A-C. GRCh37 (hg19) VCF-style: chr2-179439726-A-C.
Other names: c.66210T>G, p.Ile22070Met (NM_001256850.1); c.43938T>G, p.Ile14646Met (NM_003319.4); c.63429T>G, p.Ile21143Met (NM_133378.4); c.44313T>G, p.Ile14771Met (NM_133432.3); c.44514T>G, p.Ile14838Met (NM_133437.4); short protein forms I22070M, I23711M, I14646M, I14771M, I21143M, I14838M.
Identifiers: ClinVar variation 515678 (VCV000515678.1), dbSNP rs1311167365, ClinGen allele CA349659222.